The following is an entry in ClinVar:

NM_138395.4(MARS2):c.1702A>G (p.Arg568Gly)

Gene: MARS2 (methionyl-tRNA synthetase 2, mitochondrial; plus strand). Cytogenetic location: 2q33.1.
Variant type: single nucleotide variant.
Coding change: c.1702A>G on transcript NM_138395.4 (MANE Select); coding-DNA position 1702, A replaced by G.
Protein change: p.Arg568Gly; replaces arginine 568 with glycine.
Molecular consequence: missense variant.
Genome position (GRCh38, 1-based): chr2:197,707,107, A>G. VCF-style: chr2-197707107-A-G. GRCh37 (hg19) VCF-style: chr2-198571831-A-G.
Other names: p.Arg568Gly; short protein forms R568G.
Identifiers: ClinVar variation 2179714 (VCV002179714.5), dbSNP rs757187021, ClinGen allele CA2044794.

ClinVar aggregate classification (germline): Uncertain significance. Review status: criteria provided, multiple submitters, no conflicts (2 of 4 stars). 2 submissions from 2 submitters: Uncertain significance (2). Last evaluated 2023-11-07.

Allele frequency attached by ClinVar (database versions not stated): gnomAD 0.00001; gnomAD exomes 0.00001; TOPMed 0.00001; ExAC 0.00002.
gnomAD v4.1: 14 of 1,613,976 alleles (0.00087%); highest among the groups gnomAD compares: Non-Finnish European, 0.0012%; no homozygotes.

Submissions (2):

Mayo Clinic Laboratories, Mayo Clinic
Classification: Uncertain significance. Last evaluated: 2023-11-07. Review status: criteria provided, single submitter. Criteria: ACMG Guidelines, 2015. Collection method: clinical testing. Allele origin: germline. Observed: 1 variant allele.
Comment: BP4, PM2_moderate

Labcorp Genetics (formerly Invitae), Labcorp
Classification: Uncertain significance. Last evaluated: 2022-08-19. Review status: criteria provided, single submitter. Criteria: Invitae Variant Classification Sherloc (09022015). Collection method: clinical testing. Allele origin: germline.
Comment: Algorithms developed to predict the effect of missense changes on protein structure and function (SIFT, PolyPhen-2, Align-GVGD) all suggest that this variant is likely to be tolerated. This variant has not been reported in the literature in individuals affected with MARS2-related conditions. In summary, the available evidence is currently insufficient to determine the role of this variant in disease. Therefore, it has been classified as a Variant of Uncertain Significance. This variant is present in population databases (rs757187021, gnomAD 0.004%). This sequence change replaces arginine, which is basic and polar, with glycine, which is neutral and non-polar, at codon 568 of the MARS2 protein (p.Arg568Gly).